The following is an entry in ClinVar:

NM_144672.4(OTOA):c.28C>T (p.Leu10Phe)

Gene: OTOA (otoancorin). Cytogenetic location: 16p12.2.
Variant type: single nucleotide variant.
Coding change: c.28C>T on transcript NM_144672.4 (MANE Select); coding-DNA position 28, C replaced by T.
Protein change: p.Leu10Phe; replaces leucine 10 with phenylalanine.
Molecular consequence: missense variant.
Genome position (GRCh38, 1-based): chr16:21,678,542, C>T. VCF-style: chr16-21678542-C-T. GRCh37 (hg19) VCF-style: chr16-21689863-C-T.
Other names: short protein forms L10F.
Identifiers: ClinVar variation 2446122 (VCV002446122.3), dbSNP rs546735877, ClinGen allele CA7952140.

ClinVar aggregate classification (germline): Uncertain significance. Review status: criteria provided, multiple submitters, no conflicts (2 of 4 stars). 2 submissions from 2 submitters: Uncertain significance (2). Last evaluated 2026-08-25.

Conditions:
Inborn genetic diseases. Identifiers: MedGen C0950123, MeSH D030342.

Allele frequency attached by ClinVar (database versions not stated): ExAC 0.00009; gnomAD exomes 0.00004; gnomAD 0.00003; TOPMed below 0.00001; 1000 Genomes Project 30x 0.00031; 1000 Genomes Project 0.00040.
gnomAD v4.1: 69 of 1,613,810 alleles (0.0043%); highest among the groups gnomAD compares: South Asian, 0.074%; no homozygotes.

Submissions (2):

GeneDx
Classification: Uncertain significance. Last evaluated: 2026-08-25. Review status: criteria provided, single submitter. Criteria: GeneDx Variant Classification Process June 2021. Collection method: clinical testing. Allele origin: germline.
Comment: In silico analysis suggests that this missense variant does not alter protein structure/function; Has not been previously published as pathogenic or benign to our knowledge

Ambry Genetics
Classification: Uncertain significance for Inborn genetic diseases. Last evaluated: 2025-09-22. Review status: criteria provided, single submitter. Criteria: Ambry Variant Classification Scheme 2023. Collection method: clinical testing. Allele origin: germline.